The following is an entry in ClinVar:

ClinVar aggregate classification (germline): Uncertain significance (1 of 4 stars; one submission).

Allele frequency attached by ClinVar (database versions not stated): TOPMed 0.00003; gnomAD 0.00005.
gnomAD v4.1: 9 of 979,918 alleles (0.00092%); highest among the groups gnomAD compares: African/African-American, 0.012%; no homozygotes.

Submission:

Women's Health and Genetics/Laboratory Corporation of America, LabCorp
Classification: Uncertain significance. Last evaluated: 2023-04-27. Review status: criteria provided, single submitter. Criteria: LabCorp Variant Classification Summary - May 2015. Collection method: clinical testing. Allele origin: germline.
Comment: Variant summary: MAF c.610G>A (p.Gly204Ser) results in a non-conservative amino acid change in the encoded protein sequence. Four of five in-silico tools predict a benign effect of the variant on protein function. The available data on variant occurrences in the general population are insufficient to allow any conclusion about variant significance. To our knowledge, no occurrence of c.610G>A in individuals affected with MAF-Related Disorders and no experimental evidence demonstrating its impact on protein function have been reported. No clinical diagnostic laboratories have submitted clinical-significance assessments for this variant to ClinVar after 2014. Based on the evidence outlined above, the variant was classified as uncertain significance.

NM_005360.5(MAF):c.610G>A (p.Gly204Ser)

Gene: MAF (MAF bZIP transcription factor; minus strand). Cytogenetic location: 16q23.2.
Variant type: single nucleotide variant.
Coding change: c.610G>A on transcript NM_005360.5 (MANE Select); coding-DNA position 610, G replaced by A.
Protein change: p.Gly204Ser; replaces glycine 204 with serine.
Molecular consequence: missense variant.
Genome position (GRCh38, 1-based): chr16:79,599,293, C>T on the plus strand (G>A on the coding strand, the complement: MAF is on the minus strand). VCF-style: chr16-79599293-C-T. GRCh37 (hg19) VCF-style: chr16-79633190-C-T.
Other names: c.610G>A, p.Gly204Ser (NM_001031804.3); c.610G>A (NM_005360.4); short protein forms G204S.
Identifiers: ClinVar variation 2504017 (VCV002504017.1), dbSNP rs1373611152, ClinGen allele CA396535581.